The following is an entry in ClinVar:

ClinVar aggregate classification (germline): Uncertain significance. Review status: criteria provided, multiple submitters, no conflicts (2 of 4 stars). 6 submissions from 6 submitters: Uncertain significance (6). Last evaluated 2025-10-19.

Conditions:
Familial cancer of breast. Also called: Hereditary breast cancer; hereditary breast carcinoma; BREAST CANCER, FAMILIAL. Identifiers: Orphanet 227535, MedGen C0346153, MONDO:0016419, OMIM 114480. Disease mechanism: loss of function.
CHEK2-related cancer predisposition (TPDS4). Also called: CANCER PREDISPOSITION SYNDROME, CHEK2-RELATED; CHEK2-related cancer susceptibility; TUMOR PREDISPOSITION SYNDROME 4. Identifiers: Orphanet 524, MedGen C5882668, MONDO:0700271, OMIM 609265.
Bone osteosarcoma. Also called: Osteosarcoma, somatic. Identifiers: Orphanet 668, MedGen C0585442, MONDO:0002629, OMIM 259500.
Familial prostate cancer. Also called: Hereditary Prostate Cancer. Identifiers: MedGen C2931456, MONDO:0700275, OMIM 176807.
Hereditary cancer-predisposing syndrome. Also called: Hereditary Cancer Syndrome; Hereditary neoplastic syndrome; Neoplastic Syndromes, Hereditary; Tumor predisposition. Identifiers: Orphanet 140162, MedGen C0027672, MeSH D009386, MONDO:0015356.

gnomAD v4.1: 4 of 1,613,330 alleles (0.00025%); highest among the groups gnomAD compares: Non-Finnish European, 0.00034%; no homozygotes.

Submissions (6):

Labcorp Genetics (formerly Invitae), Labcorp
Classification: Uncertain significance for Familial cancer of breast. Last evaluated: 2025-10-19. Review status: criteria provided, single submitter. Criteria: Invitae Variant Classification Sherloc (09022015). Collection method: clinical testing. Allele origin: germline.
Comment: This sequence change replaces glycine, which is neutral and non-polar, with valine, which is neutral and non-polar, at codon 306 of the CHEK2 protein (p.Gly306Val). This variant is not present in population databases (gnomAD no frequency). This missense change has been observed in individual(s) with breast cancer (PMID: 30287823, 30306255, 31465090). ClinVar contains an entry for this variant (Variation ID: 823069). An algorithm developed to predict the effect of missense changes on protein structure and function (PolyPhen-2) suggests that this variant is likely to be disruptive. In summary, the available evidence is currently insufficient to determine the role of this variant in disease. Therefore, it has been classified as a Variant of Uncertain Significance.

Ambry Genetics
Classification: Uncertain significance for Hereditary cancer-predisposing syndrome. Last evaluated: 2025-08-25. Review status: criteria provided, single submitter. Criteria: Ambry Variant Classification Scheme 2023. Collection method: clinical testing. Allele origin: germline.
Comment: The p.G306V variant (also known as c.917G>T), located in coding exon 8 of the CHEK2 gene, results from a G to T substitution at nucleotide position 917. The glycine at codon 306 is replaced by valine, an amino acid with dissimilar properties. It has also been reported in an individual with metastatic breast cancer (Stuttgen K et al. JAMA Oncol, 2019 Oct;5:1506-1508). This amino acid position is highly conserved in available vertebrate species. In addition, this alteration is predicted to be deleterious by in silico analysis. Since supporting evidence is limited at this time, the clinical significance of this alteration remains unclear.

Institute of Human Genetics, University of Leipzig Medical Center
Classification: Uncertain significance for Familial cancer of breast. Last evaluated: 2025-04-09. Review status: criteria provided, single submitter. Criteria: ACMG Guidelines, 2015. Collection method: clinical testing. Allele origin: unknown. Inheritance: Autosomal dominant inheritance. Affected: yes.
Comment: Criteria applied: PM5,PS3_SUP,PM2_SUP

Fulgent Genetics
Classification: Uncertain significance for Familial prostate cancer; Bone osteosarcoma; CHEK2-related cancer predisposition. Last evaluated: 2024-05-30. Review status: criteria provided, single submitter. Criteria: ACMG Guidelines, 2015. Collection method: clinical testing. Allele origin: germline.

Sema4
Classification: Uncertain significance for Hereditary cancer-predisposing syndrome. Last evaluated: 2021-06-12. Review status: criteria provided, single submitter. Criteria: Sema4 Curation Guidelines. Collection method: curation. Allele origin: germline.
Comment: The CHEK2 c.917G>T (p.G306V) variant has been reported in individuals with breast cancer (PMID: 31465090, 30306255, 30287823). It was not observed in the large and broad cohorts of the Genome Aggregation Database (PMID: 32461654). The variant has been reported in ClinVar (Variation ID: 823069). In silico tools suggest the impact of the variant on protein function is inconclusive, though these predictions have not been confirmed by functional studies. The evidence is insufficient to meet ACMG/AMP criteria for classifying the variant as benign or pathogenic. Thus, the clinical significance of this variant is currently uncertain.

Color Diagnostics, LLC DBA Color Health
Classification: Uncertain significance for Hereditary cancer-predisposing syndrome. Last evaluated: 2018-11-01. Review status: criteria provided, single submitter. Criteria: ACMG Guidelines, 2015. Collection method: clinical testing. Allele origin: germline.

Literature cited by the submitters: PubMed 30287823 (cited by 3 submitters); PubMed 30306255 (cited by 3 submitters); PubMed 31465090 (cited by 3 submitters).

NM_007194.4(CHEK2):c.917G>T (p.Gly306Val)

Gene: CHEK2 (checkpoint kinase 2; minus strand). Cytogenetic location: 22q12.1.
Variant type: single nucleotide variant.
Coding change: c.917G>T on transcript NM_007194.4 (MANE Select); coding-DNA position 917, G replaced by T.
Protein change: p.Gly306Val; replaces glycine 306 with valine.
Molecular consequence: missense variant.
Genome position (GRCh38, 1-based): chr22:28,699,929, C>A on the plus strand (G>T on the coding strand, the complement: CHEK2 is on the minus strand). VCF-style: chr22-28699929-C-A. GRCh37 (hg19) VCF-style: chr22-29095917-C-A.
Other names: c.716G>T, p.Gly239Val (NM_001349956.3); c.1046G>T, p.Gly349Val (NM_001005735.3); c.254G>T, p.Gly85Val (NM_001257387.3); c.917G>T, p.Gly306Val (NM_145862.3); short protein forms G239V, G85V, G306V, G349V.
Identifiers: ClinVar variation 823069 (VCV000823069.16), dbSNP rs587780192, ClinGen allele CA411100152.